The following is an entry in ClinVar:

NM_130384.3(ATRIP):c.436C>T (p.Arg146Ter)

Genes: ATRIP (ATR interacting protein; plus strand), ATRIP-TREX1 (ATRIP-TREX1 readthrough; plus strand). Cytogenetic location: 3p21.31.
Variant type: single nucleotide variant.
Coding change: c.436C>T on transcript NM_130384.3 (MANE Select); coding-DNA position 436, C replaced by T.
Protein change: p.Arg146Ter; replaces arginine 146 with a stop codon.
Molecular consequence: nonsense. On other transcripts: non-coding transcript variant (1).
Genome position (GRCh38, 1-based): chr3:48,451,783, C>T. VCF-style: chr3-48451783-C-T. GRCh37 (hg19) VCF-style: chr3-48493189-C-T.
Other names: c.55C>T, p.Arg19Ter (NM_001271022.2); c.157C>T, p.Arg53Ter (NM_001271023.2); c.436C>T, p.Arg146Ter (NM_032166.4); short protein forms R19*, R146*, R53*.
Identifiers: ClinVar variation 4181759 (VCV004181759.1).

ClinVar aggregate classification (germline): Uncertain significance (1 of 4 stars; one submission).

gnomAD v4.1: 9 of 1,606,380 alleles (0.00056%); highest among the groups gnomAD compares: African/African-American, 0.0013%; no homozygotes.

Submission:

Ambry Genetics
Classification: Uncertain significance. Last evaluated: 2025-07-30. Review status: criteria provided, single submitter. Criteria: Ambry Variant Classification Scheme 2023. Collection method: clinical testing. Allele origin: germline.
Comment: The p.R146* variant (also known as c.436C>T), located in coding exon 3 of the ATRIP gene, results from a C to T substitution at nucleotide position 436. This changes the amino acid from an arginine to a stop codon within coding exon 3. The evidence for this gene-disease relationship is limited; therefore, the clinical significance of this alteration is unclear.